The following is an entry in ClinVar:

NM_004596.5(SNRPA):c.100T>A (p.Phe34Ile)

Gene: SNRPA (small nuclear ribonucleoprotein polypeptide A; plus strand). Cytogenetic location: 19q13.2.
Variant type: single nucleotide variant.
Coding change: c.100T>A on transcript NM_004596.5 (MANE Select); coding-DNA position 100, T replaced by A.
Protein change: p.Phe34Ile; replaces phenylalanine 34 with isoleucine.
Molecular consequence: missense variant.
Genome position (GRCh38, 1-based): chr19:40,757,358, T>A. VCF-style: chr19-40757358-T-A. GRCh37 (hg19) VCF-style: chr19-41263263-T-A.
Other names: U1A; short protein forms F34I.
Identifiers: ClinVar variation 446205 (VCV000446205.3), dbSNP rs1555775209, ClinGen allele CA405950375.

ClinVar aggregate classification (germline): Likely pathogenic (1 of 4 stars; one submission).

Conditions:
Spliceosomepathy.

Submission:

Laboratorio de Citogenómica y Microarreglos, Universidad Autonoma de Nuevo Leon
Classification: Likely pathogenic for Spliceosomepathy. Last evaluated: 2017-11-01. Review status: criteria provided, single submitter. Criteria: ACMG Guidelines, 2015. Collection method: research. Allele origin: inherited. Inheritance: Autosomal recessive inheritance. Affected: yes. Observed: 4 variant alleles, 2 heterozygotes, 2 homozygotes. Clinical features observed: Intellectual disability, Psychomotor delay, Short stature, Craniofacial, eye, and hand anomalies.
Comment: Splicing-related gene mutations might affect in different ways the expression of a single gene or multiple genes. Exome sequencing analyses by Variant Interpreter identified, in independent assays of the patients (two assays in one of them), three homozygous missense variants in exon 2 of SNRPA (hg19; chr19:41,263,260, chr19:41,263,261, and chr19:41,263,263; NM_004596.4). These variants were described as c.97A>G, c.98T>C, and c.100T>A and cause a change in two contiguous amino acids: p.Ile33Ala and p.Phe34Ile. The in-silico analyses (CFSSP, ExPASy web tool) showed a gained rich-Î±-helix region. Six different bioinformatic platforms predicted a pathogenic consequence for p.Ile33Ala and p.Phe34Ile; however, a more pathogenic score (-8.53, PROVEAN web tool) was predicted when both mutations were analyzed combined. SNRPA encodes for a protein that associates with the stem loop II of the U1 RNA. Thus, SNRPA/U1-A is part of the U1 small nuclear ribonucleoprotein complex. The psychomotor delay/Intellectual disability and growth, eye, craniofacial and hand anomalies in our patients, are features also seen in other spliceosomepathies.